The following is an entry in ClinVar:

NM_001110556.2(FLNA):c.1894G>A (p.Asp632Asn)

Gene: FLNA (filamin A; minus strand). Cytogenetic location: Xq28.
Variant type: single nucleotide variant.
Coding change: c.1894G>A on transcript NM_001110556.2 (MANE Select); coding-DNA position 1894, G replaced by A.
Protein change: p.Asp632Asn; replaces aspartic acid 632 with asparagine.
Molecular consequence: missense variant.
Genome position (GRCh38, 1-based): chrX:154,364,654, C>T on the plus strand (G>A on the coding strand, the complement: FLNA is on the minus strand). VCF-style: chrX-154364654-C-T. GRCh37 (hg19) VCF-style: chrX-153593022-C-T.
Other names: p.Asp632Asn; c.1894G>A, p.Asp632Asn (NM_001456.4); short protein forms D632N.
Identifiers: ClinVar variation 589927 (VCV000589927.20), dbSNP rs782718606, ClinGen allele CA10561055.

ClinVar aggregate classification (germline): Conflicting classifications of pathogenicity. Review status: criteria provided, conflicting classifications (1 of 4 stars). 4 submissions from 4 submitters: Uncertain significance (3); Likely benign (1). Last evaluated 2025-09-01.

Conditions:
Heterotopia, periventricular, X-linked dominant (PVNH1). Also called: PERIVENTRICULAR NODULAR HETEROTOPIA 4; HETEROTOPIA, PERIVENTRICULAR, 1; PERIVENTRICULAR NODULAR HETEROTOPIA 1; X-linked periventricular heterotopia. Identifiers: Orphanet 2149, Orphanet 82004, MedGen C1848213, MONDO:0010233, OMIM 300049.
Melnick-Needles syndrome (MNS). Also called: Melnick-Needles Syndrome (FLNA-MNS); MELNICK-NEEDLES OSTEODYSPLASTY; OSTEODYSPLASTY OF MELNICK AND NEEDLES. Identifiers: Orphanet 2484, MedGen C0025237, MONDO:0010650, OMIM 309350.
Frontometaphyseal dysplasia (FMD1). Identifiers: Orphanet 1826, MedGen C0265293, MONDO:0015942.
Oto-palato-digital syndrome, type II (OPD2). Also called: Otopalatodigital Syndrome Type 2 (FLNA-OPD2); Otopalatodigital Syndrome, Type II; FACIOPALATOOSSEOUS SYNDROME; OPD II SYNDROME. Identifiers: Orphanet 669, Orphanet 90652, MedGen C1844696, MONDO:0010571, OMIM 304120.
Familial thoracic aortic aneurysm and aortic dissection (TAAD). Also called: Thoracic aortic aneurysms and dissections. Identifiers: Orphanet 91387, MedGen C4707243, MONDO:0019625.

Allele frequency attached by ClinVar (database versions not stated): ExAC 0.00001; gnomAD exomes 0.00001 and 0.00002; TOPMed 0.00001.
gnomAD v4.1: 14 of 1,211,283 alleles (0.0012%); highest among the groups gnomAD compares: Middle Eastern, 0.046%; no homozygotes.

Submissions (4):

Labcorp Genetics (formerly Invitae), Labcorp
Classification: Likely benign for Oto-palato-digital syndrome, type II; Heterotopia, periventricular, X-linked dominant; Frontometaphyseal dysplasia; Melnick-Needles syndrome. Last evaluated: 2025-09-01. Review status: criteria provided, single submitter. Criteria: Invitae Variant Classification Sherloc (09022015). Collection method: clinical testing. Allele origin: germline.

Mayo Clinic Laboratories, Mayo Clinic
Classification: Uncertain significance. Last evaluated: 2025-08-18. Review status: criteria provided, single submitter. Criteria: ACMG Guidelines, 2015. Collection method: clinical testing. Allele origin: germline. Observed: 1 variant allele.
Comment: PP2

GeneDx
Classification: Uncertain significance. Last evaluated: 2023-11-06. Review status: criteria provided, single submitter. Criteria: GeneDx Variant Classification Process June 2021. Collection method: clinical testing. Allele origin: germline. Affected: yes.
Comment: Has been observed in a patient in a large cohort who underwent whole genome sequencing; however no patient specific details nor segregation was specified in this report (PMID: 33726816); Not observed at significant frequency in large population cohorts (gnomAD); In silico analysis supports that this missense variant has a deleterious effect on protein structure/function; In silico analysis suggests this variant may impact gene splicing. In the absence of RNA/functional studies, the actual effect of this sequence change is unknown.; This variant is associated with the following publications: (PMID: 33726816)

Ambry Genetics
Classification: Uncertain significance for Familial thoracic aortic aneurysm and aortic dissection. Last evaluated: 2016-09-20. Review status: criteria provided, single submitter. Criteria: Ambry Variant Classification Scheme 2023. Collection method: clinical testing. Allele origin: germline.
Comment: The p.D632N variant (also known as c.1894G>A), located in coding exon 12 of the FLNA gene, results from a G to A substitution at nucleotide position 1894. The aspartic acid at codon 632 is replaced by asparagine, an amino acid with highly similar properties. This variant was not reported in population based cohorts in the following databases: Database of Single Nucleotide Polymorphisms (dbSNP), NHLBI Exome Sequencing Project (ESP), and 1000 Genomes Project. In the ESP, this variant was not observed in 6412 samples with coverage at this position. This amino acid position is highly conserved in available vertebrate species. In addition, this alteration is predicted to be tolerated by in silico analysis. Since supporting evidence is limited at this time, the clinical significance of this alteration remains unclear.